The following is an entry in ClinVar:

NM_000179.3(MSH6):c.2240T>A (p.Leu747Gln)

Gene: MSH6 (mutS homolog 6; plus strand). Cytogenetic location: 2p16.3.
Variant type: single nucleotide variant.
Coding change: c.2240T>A on transcript NM_000179.3 (MANE Select); coding-DNA position 2240, T replaced by A.
Protein change: p.Leu747Gln; replaces leucine 747 with glutamine.
Molecular consequence: missense variant. On other transcripts: non-coding transcript variant (5), intron variant (2).
Genome position (GRCh38, 1-based): chr2:47,800,223, T>A. VCF-style: chr2-47800223-T-A. GRCh37 (hg19) VCF-style: chr2-48027362-T-A.
Other names: c.2162T>A, p.Leu721Gln (NM_001406804.1); c.1943T>A, p.Leu648Gln (NM_001406805.1, NM_001406797.1, NM_001406801.1 and 10 more transcripts); c.1715T>A, p.Leu572Gln (NM_001406806.1, NM_001406807.1, NM_001406799.1); c.2240T>A, p.Leu747Gln (NM_001406808.1, NM_001406809.1, NM_001406796.1 and 3 more transcripts); c.1334T>A, p.Leu445Gln (NM_001406811.1, NM_001406812.1, NM_001281493.2 and 6 more transcripts); c.2246T>A, p.Leu749Gln (NM_001406813.1); c.1850T>A, p.Leu617Gln (NM_001281492.2); c.2336T>A, p.Leu779Gln (NM_001406795.1, NM_001406802.1); and 3 more; short protein forms L648Q, L721Q, L779Q, L691Q, L749Q, L445Q, L572Q, L617Q.
Identifiers: ClinVar variation 4111224 (VCV004111224.1).

ClinVar aggregate classification (germline): Uncertain significance (1 of 4 stars; one submission).

Conditions:
Hereditary cancer-predisposing syndrome. Also called: Tumor predisposition; Neoplastic Syndromes, Hereditary; Hereditary neoplastic syndrome; Hereditary Cancer Syndrome. Identifiers: Orphanet 140162, MedGen C0027672, MeSH D009386, MONDO:0015356.

Submission:

Ambry Genetics
Classification: Uncertain significance for Hereditary cancer-predisposing syndrome. Last evaluated: 2025-08-13. Review status: criteria provided, single submitter. Criteria: Ambry Variant Classification Scheme 2023. Collection method: clinical testing. Allele origin: germline.
Comment: The p.L747Q variant (also known as c.2240T>A), located in coding exon 4 of the MSH6 gene, results from a T to A substitution at nucleotide position 2240. The leucine at codon 747 is replaced by glutamine, an amino acid with dissimilar properties. This amino acid position is conserved. In addition, this alteration is predicted to be tolerated by in silico analysis. Based on the available evidence, the clinical significance of this variant remains unclear.